The following is an entry in ClinVar:

NM_001360016.2(G6PD):c.148C>T (p.Pro50Ser)

Gene: G6PD (glucose-6-phosphate dehydrogenase; minus strand). Cytogenetic location: Xq28.
Variant type: single nucleotide variant.
Coding change: c.148C>T on transcript NM_001360016.2 (MANE Select); coding-DNA position 148, C replaced by T.
Protein change: p.Pro50Ser; replaces proline 50 with serine.
Molecular consequence: missense variant.
Genome position (GRCh38, 1-based): chrX:154,536,151, G>A on the plus strand (C>T on the coding strand, the complement: G6PD is on the minus strand). VCF-style: chrX-154536151-G-A. GRCh37 (hg19) VCF-style: chrX-153764366-G-A.
Other names: G6PD Kambos; c.238C>T, p.Pro80Ser (NM_000402.4); c.148C>T, p.Pro50Ser (NM_001042351.3); short protein forms P50S, P80S.
Identifiers: ClinVar variation 1722704 (VCV001722704.10), dbSNP rs2523273261, ClinGen allele CA415240119.

ClinVar aggregate classification (germline): Likely pathogenic. Review status: criteria provided, multiple submitters, no conflicts (2 of 4 stars). 5 submissions from 5 submitters: Likely pathogenic (5). Last evaluated 2025-07-25.

Conditions:
G6PD deficiency. Also called: G6PD A-. Identifiers: MedGen C2939465, MONDO:0005775.
Anemia, nonspherocytic hemolytic, due to G6PD deficiency (CNSHA1). Also called: Hemolytic anemia due to G6PD deficiency; Class I glucose-6-phosphate dehydrogenase deficiency; Favism, susceptibility to; ANEMIA, CONGENITAL, NONSPHEROCYTIC HEMOLYTIC, 1. Identifiers: Orphanet 466026, MedGen C2720289, MONDO:0010480, OMIM 300908.

Allele frequency attached by ClinVar (database versions not stated): gnomAD exomes below 0.00001.

Submissions (5):

Women's Health and Genetics/Laboratory Corporation of America, LabCorp
Classification: Likely pathogenic for G6PD deficiency. Last evaluated: 2025-07-25. Review status: criteria provided, single submitter. Criteria: LabCorp Variant Classification Summary - May 2015. Collection method: clinical testing. Allele origin: germline.
Comment: Variant summary: G6PD c.238C>T (p.Pro80Ser) results in a non-conservative amino acid change located in the NAD-binding domain (IPR022674) of the encoded protein sequence. Algorithms developed to predict the effect of missense changes on protein structure and function all suggest that this variant is likely to be disruptive. The variant was absent in 183351 control chromosomes. c.238C>T has been reported in the literature in the hemizygous state in two individuals affected with Glucose 6 Phosphate Dehydrogenase Deficiency (Drousiotou_2004). Whole blood enzyme activity from these individuals indicated that the variant activity was approximately 20% of normal (Drousiotou_2004). The following publication has been ascertained in the context of this evaluation (PMID: 15223006). ClinVar contains an entry for this variant (Variation ID: 1722704). Based on the evidence outlined above, the variant was classified as likely pathogenic.

Labcorp Genetics (formerly Invitae), Labcorp
Classification: Likely pathogenic for Anemia, nonspherocytic hemolytic, due to G6PD deficiency. Last evaluated: 2025-04-14. Review status: criteria provided, single submitter. Criteria: Invitae Variant Classification Sherloc (09022015). Collection method: clinical testing. Allele origin: germline.
Comment: This sequence change replaces proline, which is neutral and non-polar, with serine, which is neutral and polar, at codon 50 of the G6PD protein (p.Pro50Ser). This variant is not present in population databases (gnomAD no frequency). This missense change has been observed in individual(s) with glucose-6-phosphate dehydrogenase deficiency (PMID: 15223006). This variant is also known as G6PD Kambos. ClinVar contains an entry for this variant (Variation ID: 1722704). Invitae Evidence Modeling of protein sequence and biophysical properties (such as structural, functional, and spatial information, amino acid conservation, physicochemical variation, residue mobility, and thermodynamic stability) indicates that this missense variant is expected to disrupt G6PD protein function with a positive predictive value of 95%. In summary, the currently available evidence indicates that the variant is pathogenic, but additional data are needed to prove that conclusively. Therefore, this variant has been classified as Likely Pathogenic.

Center for Genomic Medicine, Rigshospitalet, Copenhagen University Hospital
Classification: Likely pathogenic. Last evaluated: 2025-03-04. Review status: criteria provided, single submitter. Criteria: ACMG Guidelines, 2015. Collection method: clinical testing. Allele origin: germline.

Revvity Omics, Revvity
Classification: Likely pathogenic for Anemia, nonspherocytic hemolytic, due to G6PD deficiency. Last evaluated: 2023-09-14. Review status: criteria provided, single submitter. Criteria: ACMG Guidelines, 2015. Collection method: clinical testing. Allele origin: germline.

Dunham Lab, University of Washington
Classification: Likely pathogenic for Anemia, nonspherocytic hemolytic, due to G6PD deficiency. Last evaluated: 2022-08-12. Review status: criteria provided, single submitter. Criteria: Bayesian ACMG Guidelines, 2018. Collection method: curation. Allele origin: unknown. Affected: yes.
Comment: Variant found in two unrelated hemizygotes with G6PD deficiency (PS4_M, PP4). Decreased activity in red blood cells of hemizygote (20%) (PS3). Not observed in gnomAD (PM2). Post_P 0.989 (odds of pathogenicity 729.3, Prior_P 0.1).

Literature cited by the submitters: PubMed 15223006 (cited by 4 submitters); PubMed 27458052 (cited by Center for Genomic Medicine, Rigshospitalet, Copenhagen University Hospital); PubMed 17176793 (cited by Center for Genomic Medicine, Rigshospitalet, Copenhagen University Hospital).